The following is an entry in ClinVar:

NM_000059.4(BRCA2):c.7805+5T>G

Gene: BRCA2 (BRCA2 DNA repair associated; plus strand). Cytogenetic location: 13q13.1.
Variant type: single nucleotide variant.
Coding change: c.7805+5T>G on transcript NM_000059.4 (MANE Select); 5 bases into the intron after coding-DNA position 7805, T replaced by G.
Molecular consequence: intron variant.
Genome position (GRCh38, 1-based): chr13:32,357,934, T>G. VCF-style: chr13-32357934-T-G. GRCh37 (hg19) VCF-style: chr13-32932071-T-G.
Identifiers: ClinVar variation 2059464 (VCV002059464.4), dbSNP rs2137567963, ClinGen allele CA2580087369.
Genomic context (GRCh38, chr13:32,357,934, plus strand): 5'-GGTGGATGGCTCATACCCTCCAATGATGGAAAGGCTGGAAAAGAAGAATTTTATAGGTAC[T>G]CTATGCAAAAAGATTGTGTGTTAACTTTTATGTATTCCCTCATCCCTCTTTCTTCTCTTA-3'

ClinVar aggregate classification (germline): Uncertain significance (1 of 4 stars; one submission).

Conditions:
Hereditary breast ovarian cancer syndrome. Also called: Breast and ovarian cancer; BRCA1- and BRCA2-Associated Hereditary Breast and Ovarian Cancer; Hereditary breast and ovarian cancer syndrome; Hereditary breast and ovarian cancer; Hereditary breast and ovarian cancer syndrome (HBOC); Hereditary breast and/or ovarian cancer syndrome. Identifiers: Orphanet 145, MedGen C0677776, MeSH D061325, MONDO:0003582. Disease mechanism: loss of function.

Submission:

Labcorp Genetics (formerly Invitae), Labcorp
Classification: Uncertain significance for Hereditary breast ovarian cancer syndrome. Last evaluated: 2022-03-22. Review status: criteria provided, single submitter. Criteria: Invitae Variant Classification Sherloc (09022015). Collection method: clinical testing. Allele origin: germline.
Comment: In summary, the available evidence is currently insufficient to determine the role of this variant in disease. Therefore, it has been classified as a Variant of Uncertain Significance. Variants that disrupt the consensus splice site are a relatively common cause of aberrant splicing (PMID: 17576681, 9536098). Algorithms developed to predict the effect of sequence changes on RNA splicing suggest that this variant may disrupt the consensus splice site. This variant has not been reported in the literature in individuals affected with BRCA2-related conditions. This variant is not present in population databases (gnomAD no frequency). This sequence change falls in intron 16 of the BRCA2 gene. It does not directly change the encoded amino acid sequence of the BRCA2 protein. It affects a nucleotide within the consensus splice site.

Literature cited by the submitters: PubMed 17576681; PubMed 9536098.